The following is an entry in ClinVar:

NM_000287.4(PEX6):c.2589-1G>A

Gene: PEX6 (peroxisomal biogenesis factor 6; minus strand). Cytogenetic location: 6p21.1.
Variant type: single nucleotide variant.
Coding change: c.2589-1G>A on transcript NM_000287.4 (MANE Select); the canonical splice acceptor site of the intron before coding-DNA position 2589, G replaced by A.
Molecular consequence: splice acceptor variant.
Genome position (GRCh38, 1-based): chr6:42,965,153, C>T on the plus strand (G>A on the coding strand, the complement: PEX6 is on the minus strand). VCF-style: chr6-42965153-C-T. GRCh37 (hg19) VCF-style: chr6-42932891-C-T.
Other names: c.2325-1G>A (NM_001316313.2).
Identifiers: ClinVar variation 2861183 (VCV002861183.3), dbSNP rs2114237186, ClinGen allele CA364150809.

ClinVar aggregate classification (germline): Likely pathogenic (1 of 4 stars; one submission).

Conditions:
Peroxisome biogenesis disorder. Identifiers: Orphanet 79189, MedGen C1832200, MONDO:0019234. Disease mechanism: loss of function.

Submission:

Labcorp Genetics (formerly Invitae), Labcorp
Classification: Likely pathogenic for Peroxisome biogenesis disorder. Last evaluated: 2024-10-30. Review status: criteria provided, single submitter. Criteria: Invitae Variant Classification Sherloc (09022015). Collection method: clinical testing. Allele origin: germline.
Comment: This sequence change affects an acceptor splice site in intron 14 of the PEX6 gene. It is expected to disrupt RNA splicing. Variants that disrupt the donor or acceptor splice site typically lead to a loss of protein function (PMID: 16199547), and loss-of-function variants in PEX6 are known to be pathogenic (PMID: 10408779, 21031596, 31831025). This variant is not present in population databases (gnomAD no frequency). This variant has not been reported in the literature in individuals affected with PEX6-related conditions. ClinVar contains an entry for this variant (Variation ID: 2861183). Algorithms developed to predict the effect of sequence changes on RNA splicing suggest that this variant may disrupt the consensus splice site. In summary, the currently available evidence indicates that the variant is pathogenic, but additional data are needed to prove that conclusively. Therefore, this variant has been classified as Likely Pathogenic.

Literature cited by the submitters: PubMed 16199547; PubMed 10408779; PubMed 21031596; PubMed 31831025.